The following is an entry in ClinVar:

ClinVar aggregate classification (germline): Uncertain significance. Review status: criteria provided, multiple submitters, no conflicts (2 of 4 stars). 4 submissions from 4 submitters: Uncertain significance (4). Last evaluated 2025-09-10.

Conditions:
Hereditary cancer-predisposing syndrome. Also called: Neoplastic Syndromes, Hereditary; Tumor predisposition; Hereditary Cancer Syndrome; Hereditary neoplastic syndrome. Identifiers: Orphanet 140162, MedGen C0027672, MeSH D009386, MONDO:0015356.
Gastrointestinal stromal tumor. Also called: Gastrointestinal stroma tumor; Gastrointestinal stromal tumor, somatic. Identifiers: Orphanet 44890, MedGen C0238198, MeSH D046152, MONDO:0011719, OMIM 606764, HP:0100723.

Allele frequency attached by ClinVar (database versions not stated): ExAC 0.00001; gnomAD exomes 0.00001 and 0.00002; TOPMed 0.00001; gnomAD 0.00003.
gnomAD v4.1: 19 of 1,613,940 alleles (0.0012%); highest among the groups gnomAD compares: East Asian, 0.0045%; no homozygotes.

Submissions (4):

Labcorp Genetics (formerly Invitae), Labcorp
Classification: Uncertain significance for Gastrointestinal stromal tumor. Last evaluated: 2025-09-10. Review status: criteria provided, single submitter. Criteria: Invitae Variant Classification Sherloc (09022015). Collection method: clinical testing. Allele origin: germline.
Comment: This sequence change replaces threonine, which is neutral and polar, with methionine, which is neutral and non-polar, at codon 847 of the KIT protein (p.Thr847Met). This variant is present in population databases (rs752695117, gnomAD 0.02%). This variant has not been reported in the literature in individuals affected with KIT-related conditions. ClinVar contains an entry for this variant (Variation ID: 409739). An algorithm developed to predict the effect of missense changes on protein structure and function (PolyPhen-2) suggests that this variant is likely to be disruptive. In summary, the available evidence is currently insufficient to determine the role of this variant in disease. Therefore, it has been classified as a Variant of Uncertain Significance.

Ambry Genetics
Classification: Uncertain significance for Hereditary cancer-predisposing syndrome. Last evaluated: 2025-02-04. Review status: criteria provided, single submitter. Criteria: Ambry Variant Classification Scheme 2023. Collection method: clinical testing. Allele origin: germline.
Comment: The p.T847M variant (also known as c.2540C>T), located in coding exon 18 of the KIT gene, results from a C to T substitution at nucleotide position 2540. The threonine at codon 847 is replaced by methionine, an amino acid with similar properties. This amino acid position is highly conserved in available vertebrate species. In addition, this alteration is predicted to be deleterious by in silico analysis. Based on the available evidence, the clinical significance of this variant remains unclear.

Blueprint Genetics
Classification: Uncertain significance. Last evaluated: 2024-11-11. Review status: criteria provided, single submitter. Criteria: ACMG Guidelines, 2015. Collection method: clinical testing. Allele origin: germline.

Baylor Genetics
Classification: Uncertain significance for Gastrointestinal stromal tumor. Last evaluated: 2024-02-06. Review status: criteria provided, single submitter. Criteria: ACMG Guidelines, 2015. Collection method: clinical testing. Allele origin: unknown.

NM_000222.3(KIT):c.2540C>T (p.Thr847Met)

Gene: KIT (KIT proto-oncogene, receptor tyrosine kinase; plus strand). Cytogenetic location: 4q12.
Variant type: single nucleotide variant.
Coding change: c.2540C>T on transcript NM_000222.3 (MANE Select); coding-DNA position 2540, C replaced by T.
Protein change: p.Thr847Met; replaces threonine 847 with methionine.
Molecular consequence: missense variant.
Genome position (GRCh38, 1-based): chr4:54,736,553, C>T. VCF-style: chr4-54736553-C-T. GRCh37 (hg19) VCF-style: chr4-55602719-C-T.
Other names: c.2528C>T, p.Thr843Met (NM_001093772.2, NM_001385292.1); c.2543C>T, p.Thr848Met (NM_001385284.1); c.2537C>T, p.Thr846Met (NM_001385285.1); c.2525C>T, p.Thr842Met (NM_001385286.1); c.2531C>T, p.Thr844Met (NM_001385288.1); c.2540C>T, p.Thr847Met (NM_001385290.1); short protein forms T847M, T843M, T842M, T844M, T846M, T848M.
Identifiers: ClinVar variation 409739 (VCV000409739.13), dbSNP rs752695117, ClinGen allele CA2923788.